The following is an entry in ClinVar:

NM_003072.5(SMARCA4):c.2682G>C (p.Thr894=)

Gene: SMARCA4 (SWI/SNF related BAF chromatin remodeling complex subunit ATPase 4; plus strand). Cytogenetic location: 19p13.2.
Variant type: single nucleotide variant.
Coding change: c.2682G>C on transcript NM_003072.5 (MANE Select); coding-DNA position 2682, G replaced by C.
Protein change: p.Thr894=; no amino-acid change (threonine 894 retained).
Molecular consequence: synonymous variant. On other transcripts: non-coding transcript variant (1).
Genome position (GRCh38, 1-based): chr19:11,021,790, G>C. VCF-style: chr19-11021790-G-C. GRCh37 (hg19) VCF-style: chr19-11132466-G-C.
Other names: c.2682G>C (NM_001128849.1); c.2682G>C, p.Thr894= (NM_001128844.3, NM_001128845.2, NM_001128846.2 and 5 more transcripts).
Identifiers: ClinVar variation 1092368 (VCV001092368.10), dbSNP rs1300802922, ClinGen allele CA505743547.

ClinVar aggregate classification (germline): Likely benign. Review status: criteria provided, single submitter (1 of 4 stars). 2 submissions from 2 submitters: Likely benign (1). 1 of the submissions does not count toward it. Last evaluated 2024-05-21.

Conditions:
SMARCA4-related disorder. Also called: SMARCA4-related condition.
Rhabdoid tumor predisposition syndrome 2 (RTPS2). Identifiers: Orphanet 231108, Orphanet 69077, MedGen C2750074, MONDO:0013224, OMIM 613325.

Submissions (2):

Labcorp Genetics (formerly Invitae), Labcorp
Classification: Likely benign for Rhabdoid tumor predisposition syndrome 2. Last evaluated: 2024-05-21. Review status: criteria provided, single submitter. Criteria: Invitae Variant Classification Sherloc (09022015). Collection method: clinical testing. Allele origin: germline.

PreventionGenetics, part of Exact Sciences
Classification: Likely benign for SMARCA4-related condition. Last evaluated: 2024-08-07. Review status: no assertion criteria provided. Collection method: clinical testing. Allele origin: germline. Not counted in ClinVar's aggregate classification.
Comment: This variant is classified as likely benign based on ACMG/AMP sequence variant interpretation guidelines (Richards et al. 2015 PMID: 25741868, with internal and published modifications).